The following is an entry in ClinVar:

ClinVar aggregate classification (germline): Uncertain significance (1 of 4 stars; one submission).

Submission:

GeneDx
Classification: Uncertain significance. Last evaluated: 2025-06-29. Review status: criteria provided, single submitter. Criteria: GeneDx Variant Classification Process June 2021. Collection method: clinical testing. Allele origin: germline. Affected: yes.
Comment: Not observed at significant frequency in large population cohorts (gnomAD); In silico analysis supports that this missense variant has a deleterious effect on protein structure/function; Has not been previously published as pathogenic or benign to our knowledge.

NM_001961.4(EEF2):c.154G>A (p.Gly52Arg)

Gene: EEF2 (eukaryotic translation elongation factor 2; minus strand). Cytogenetic location: 19p13.3.
Variant type: single nucleotide variant.
Coding change: c.154G>A on transcript NM_001961.4 (MANE Select); coding-DNA position 154, G replaced by A.
Protein change: p.Gly52Arg; replaces glycine 52 with arginine.
Molecular consequence: missense variant.
Genome position (GRCh38, 1-based): chr19:3,984,200, C>T on the plus strand (G>A on the coding strand, the complement: EEF2 is on the minus strand). VCF-style: chr19-3984200-C-T. GRCh37 (hg19) VCF-style: chr19-3984198-C-T.
Other names: short protein forms G52R.
Identifiers: ClinVar variation 4540333 (VCV004540333.1).